The following is an entry in ClinVar:

NM_006059.4(LAMC3):c.908G>A (p.Arg303His)

Gene: LAMC3 (laminin subunit gamma 3; plus strand). Cytogenetic location: 9q34.12.
Variant type: single nucleotide variant.
Coding change: c.908G>A on transcript NM_006059.4 (MANE Select); coding-DNA position 908, G replaced by A.
Protein change: p.Arg303His; replaces arginine 303 with histidine.
Molecular consequence: missense variant.
Genome position (GRCh38, 1-based): chr9:131,036,264, G>A. VCF-style: chr9-131036264-G-A. GRCh37 (hg19) VCF-style: chr9-133911651-G-A.
Other names: short protein forms R303H.
Identifiers: ClinVar variation 1302705 (VCV001302705.3), dbSNP rs775368834, ClinGen allele CA5286863.

ClinVar aggregate classification (germline): Uncertain significance. Review status: criteria provided, multiple submitters, no conflicts (2 of 4 stars). 2 submissions from 2 submitters: Uncertain significance (2). Last evaluated 2022-08-12.

Allele frequency attached by ClinVar (database versions not stated): gnomAD exomes 0.00002 and 0.00005; ExAC 0.00003; TOPMed 0.00005; gnomAD 0.00007 and 0.00008.
gnomAD v4.1: 90 of 1,613,138 alleles (0.0056%); highest among the groups gnomAD compares: African/African-American, 0.013%; no homozygotes.

Submissions (2):

Labcorp Genetics (formerly Invitae), Labcorp
Classification: Uncertain significance. Last evaluated: 2022-08-12. Review status: criteria provided, single submitter. Criteria: Invitae Variant Classification Sherloc (09022015). Collection method: clinical testing. Allele origin: germline.
Comment: This sequence change replaces arginine, which is basic and polar, with histidine, which is basic and polar, at codon 303 of the LAMC3 protein (p.Arg303His). This variant is present in population databases (rs775368834, gnomAD 0.01%). This variant has not been reported in the literature in individuals affected with LAMC3-related conditions. ClinVar contains an entry for this variant (Variation ID: 1302705). Algorithms developed to predict the effect of missense changes on protein structure and function (SIFT, PolyPhen-2, Align-GVGD) all suggest that this variant is likely to be tolerated. In summary, the available evidence is currently insufficient to determine the role of this variant in disease. Therefore, it has been classified as a Variant of Uncertain Significance.

GeneDx
Classification: Uncertain significance. Last evaluated: 2019-06-26. Review status: criteria provided, single submitter. Criteria: GeneDx Variant Classification Process June 2021. Collection method: clinical testing. Allele origin: germline. Affected: yes.
Comment: In silico analysis, which includes protein predictors and evolutionary conservation, supports that this variant does not alter protein structure/function; Has not been previously published as pathogenic or benign to our knowledge